The following is an entry in ClinVar:

ClinVar aggregate classification (germline): Uncertain significance. Review status: criteria provided, multiple submitters, no conflicts (2 of 4 stars). 2 submissions from 2 submitters: Uncertain significance (2). Last evaluated 2023-10-16.

Conditions:
Inborn genetic diseases. Identifiers: MedGen C0950123, MeSH D030342.

gnomAD v4.1: 15 of 1,612,422 alleles (0.00093%); highest among the groups gnomAD compares: East Asian, 0.031%; no homozygotes.

Submissions (2):

Labcorp Genetics (formerly Invitae), Labcorp
Classification: Uncertain significance. Last evaluated: 2023-10-16. Review status: criteria provided, single submitter. Criteria: Invitae Variant Classification Sherloc (09022015). Collection method: clinical testing. Allele origin: germline.
Comment: This sequence change replaces threonine, which is neutral and polar, with lysine, which is basic and polar, at codon 402 of the PACS2 protein (p.Thr402Lys). This variant is present in population databases (rs139419197, gnomAD 0.04%). This variant has not been reported in the literature in individuals affected with PACS2-related conditions. ClinVar contains an entry for this variant (Variation ID: 2510032). Advanced modeling of protein sequence and biophysical properties (such as structural, functional, and spatial information, amino acid conservation, physicochemical variation, residue mobility, and thermodynamic stability) performed at Invitae indicates that this missense variant is not expected to disrupt PACS2 protein function. In summary, the available evidence is currently insufficient to determine the role of this variant in disease. Therefore, it has been classified as a Variant of Uncertain Significance.

Ambry Genetics
Classification: Uncertain significance for Inborn genetic diseases. Last evaluated: 2023-05-03. Review status: criteria provided, single submitter. Criteria: Ambry Variant Classification Scheme 2023. Collection method: clinical testing. Allele origin: germline.

NM_001100913.3(PACS2):c.1205C>A (p.Thr402Lys)

Gene: PACS2 (phosphofurin acidic cluster sorting protein 2; plus strand). Cytogenetic location: 14q32.33.
Variant type: single nucleotide variant.
Coding change: c.1205C>A on transcript NM_001100913.3 (MANE Select); coding-DNA position 1205, C replaced by A.
Protein change: p.Thr402Lys; replaces threonine 402 with lysine.
Molecular consequence: missense variant.
Genome position (GRCh38, 1-based): chr14:105,381,036, C>A. VCF-style: chr14-105381036-C-A. GRCh37 (hg19) VCF-style: chr14-105847373-C-A.
Other names: c.980C>A, p.Thr327Lys (NM_001243127.3); c.1205C>A, p.Thr402Lys (NM_015197.4); short protein forms T402K, T327K.
Identifiers: ClinVar variation 2510032 (VCV002510032.5), dbSNP rs139419197, ClinGen allele CA7388748.